The following is an entry in ClinVar:

NM_001372.4(DNAH9):c.9183G>C (p.Glu3061Asp)

Gene: DNAH9 (dynein axonemal heavy chain 9; plus strand). Cytogenetic location: 17p12.
Variant type: single nucleotide variant.
Coding change: c.9183G>C on transcript NM_001372.4 (MANE Select); coding-DNA position 9183, G replaced by C.
Protein change: p.Glu3061Asp; replaces glutamic acid 3061 with aspartic acid.
Molecular consequence: missense variant.
Genome position (GRCh38, 1-based): chr17:11,822,971, G>C. VCF-style: chr17-11822971-G-C. GRCh37 (hg19) VCF-style: chr17-11726288-G-C.
Other names: short protein forms E3061D.
Identifiers: ClinVar variation 1716974 (VCV001716974.5), dbSNP rs2544717539, ClinGen allele CA398200585.

ClinVar aggregate classification (germline): Uncertain significance (1 of 4 stars; one submission).

Allele frequency attached by ClinVar (database versions not stated): gnomAD exomes below 0.00001.
gnomAD v4.1: 1 of 1,614,164 alleles (0.000062%); highest among the groups gnomAD compares: Non-Finnish European, 0.000085%; no homozygotes.

Submission:

Labcorp Genetics (formerly Invitae), Labcorp
Classification: Uncertain significance. Last evaluated: 2023-12-07. Review status: criteria provided, single submitter. Criteria: Invitae Variant Classification Sherloc (09022015). Collection method: clinical testing. Allele origin: germline.
Comment: This sequence change replaces glutamic acid, which is acidic and polar, with aspartic acid, which is acidic and polar, at codon 3061 of the DNAH9 protein (p.Glu3061Asp). This variant is not present in population databases (gnomAD no frequency). This variant has not been reported in the literature in individuals affected with DNAH9-related conditions. ClinVar contains an entry for this variant (Variation ID: 1716974). Advanced modeling of protein sequence and biophysical properties (such as structural, functional, and spatial information, amino acid conservation, physicochemical variation, residue mobility, and thermodynamic stability) performed at Invitae indicates that this missense variant is not expected to disrupt DNAH9 protein function with a negative predictive value of 80%. In summary, the available evidence is currently insufficient to determine the role of this variant in disease. Therefore, it has been classified as a Variant of Uncertain Significance.